The following is an entry in ClinVar:

ClinVar aggregate classification (germline): Uncertain significance (1 of 4 stars; one submission).

gnomAD v4.1: 27 of 1,614,024 alleles (0.0017%); highest among the groups gnomAD compares: South Asian, 0.0055%; no homozygotes.

Submission:

GeneDx
Classification: Uncertain significance. Last evaluated: 2025-04-21. Review status: criteria provided, single submitter. Criteria: GeneDx Variant Classification Process June 2021. Collection method: clinical testing. Allele origin: germline. Affected: yes.
Comment: In silico analysis supports that this missense variant has a deleterious effect on protein structure/function; Has not been previously published as pathogenic or benign to our knowledge

NM_004086.3(COCH):c.536G>A (p.Arg179His)

Genes: COCH (cochlin; plus strand), COCH-AS1 (COCH antisense RNA 1; minus strand). Cytogenetic location: 14q12.
Variant type: single nucleotide variant.
Coding change: c.536G>A on transcript NM_004086.3 (MANE Select); coding-DNA position 536, G replaced by A.
Protein change: p.Arg179His; replaces arginine 179 with histidine.
Molecular consequence: missense variant.
Genome position (GRCh38, 1-based): chr14:30,880,641, G>A. VCF-style: chr14-30880641-G-A. GRCh37 (hg19) VCF-style: chr14-31349847-G-A.
Other names: c.536G>A, p.Arg179His (NM_001135058.2); c.731G>A, p.Arg244His (NM_001347720.2); short protein forms R179H, R244H.
Identifiers: ClinVar variation 4527107 (VCV004527107.1).